The following is an entry in ClinVar:

ClinVar aggregate classification (germline): Benign. Review status: criteria provided, multiple submitters, no conflicts (2 of 4 stars). 2 submissions from 2 submitters: Benign (2). Last evaluated 2018-01-13.

Conditions:
Pyruvate dehydrogenase E1-beta deficiency (PDHBD). Identifiers: Orphanet 255138, Orphanet 765, MedGen C3279841, MONDO:0013580, OMIM 614111.

Allele frequency attached by ClinVar (database versions not stated): 1000 Genomes Project 0.18470; 1000 Genomes Project 30x 0.18926; gnomAD 0.27686 and 0.28091; TOPMed 0.27827; gnomAD exomes 0.28594.
gnomAD v4.1: 119,374 of 401,114 alleles (30%); highest among the groups gnomAD compares: Middle Eastern, 41%; 20,220 homozygotes.

Submissions (2):

Illumina Laboratory Services, Illumina
Classification: Benign for Pyruvate dehydrogenase E1-beta deficiency. Last evaluated: 2018-01-13. Review status: criteria provided, single submitter. Criteria: ICSL Variant Classification Criteria 13 December 2019. Collection method: clinical testing. Allele origin: germline.
Comment: This variant was observed in the ICSL laboratory as part of a predisposition screen in an ostensibly healthy population. It had not been previously curated by ICSL or reported in the Human Gene Mutation Database (HGMD: prior to June 1st, 2018), and was therefore a candidate for classification through an automated scoring system. Utilizing variant allele frequency, disease prevalence and penetrance estimates, and inheritance mode, an automated score was calculated to assess if this variant is too frequent to cause the disease. Based on the score and internal cut-off values, a variant classified as benign is not then subjected to further curation. The score for this variant resulted in a classification of benign for this disease.

Breakthrough Genomics
Classification: Benign. Review status: criteria provided, single submitter. Criteria: ACMG Guidelines, 2015. Collection method: not provided. Allele origin: germline. Inheritance: Autosomal recessive inheritance. Affected: yes.

NM_000925.4(PDHB):c.*353T>C

Gene: PDHB (pyruvate dehydrogenase E1 subunit beta; minus strand). Cytogenetic location: 3p14.3.
Variant type: single nucleotide variant.
Coding change: c.*353T>C on transcript NM_000925.4 (MANE Select); 353 bases downstream of the stop codon, T replaced by C.
Molecular consequence: 3 prime UTR variant. On other transcripts: non-coding transcript variant (1).
Genome position (GRCh38, 1-based): chr3:58,427,681, A>G on the plus strand (T>C on the coding strand, the complement: PDHB is on the minus strand). VCF-style: chr3-58427681-A-G. GRCh37 (hg19) VCF-style: chr3-58413408-A-G.
Other names: c.*353T>C (NM_001173468.2, NM_001315536.2).
Identifiers: ClinVar variation 346398 (VCV000346398.6), dbSNP rs1126735, ClinGen allele CA2471330.